The following is an entry in ClinVar:

NM_001278116.2(L1CAM):c.963C>T (p.Ala321=)

Gene: L1CAM (L1 cell adhesion molecule; minus strand). Cytogenetic location: Xq28.
Variant type: single nucleotide variant.
Coding change: c.963C>T on transcript NM_001278116.2 (MANE Select); coding-DNA position 963, C replaced by T.
Protein change: p.Ala321=; no amino-acid change (alanine 321 retained).
Molecular consequence: synonymous variant.
Genome position (GRCh38, 1-based): chrX:153,870,084, G>A on the plus strand (C>T on the coding strand, the complement: L1CAM is on the minus strand). VCF-style: chrX-153870084-G-A. GRCh37 (hg19) VCF-style: chrX-153135539-G-A.
Other names: c.963C>T, p.Ala321= (NM_000425.5, NM_024003.3); c.948C>T, p.Ala316= (NM_001143963.2); c.963C>T (NM_000425.4).
Identifiers: ClinVar variation 287142 (VCV000287142.15), dbSNP rs145823218, ClinGen allele CA10554464.

ClinVar aggregate classification (germline): Conflicting classifications of pathogenicity. Review status: criteria provided, conflicting classifications (1 of 4 stars). 4 submissions from 4 submitters: Uncertain significance (1); Benign (1); Likely benign (1). 1 of the submissions does not count toward it. Last evaluated 2026-01-24.

Conditions:
L1CAM-related disorder. Also called: L1CAM-related condition.
Spastic paraplegia. Identifiers: MedGen C0037772, HP:0001258.

Allele frequency attached by ClinVar (database versions not stated): gnomAD exomes 0.00001 and 0.00002; ExAC 0.00003; ESP Exome Variant Server 0.00019; gnomAD 0.00020 and 0.00021; TOPMed 0.00022.
gnomAD v4.1: 36 of 1,210,429 alleles (0.003%); highest among the groups gnomAD compares: African/African-American, 0.057%; no homozygotes.

Submissions (4):

Labcorp Genetics (formerly Invitae), Labcorp
Classification: Benign for Spastic paraplegia. Last evaluated: 2026-01-24. Review status: criteria provided, single submitter. Criteria: Invitae Variant Classification Sherloc (09022015). Collection method: clinical testing. Allele origin: germline.

Blueprint Genetics
Classification: Likely benign. Last evaluated: 2018-07-18. Review status: criteria provided, single submitter. Criteria: ACMG Guidelines, 2015. Collection method: clinical testing. Allele origin: germline.

Eurofins Ntd Llc (ga)
Classification: Uncertain significance. Last evaluated: 2016-04-29. Review status: criteria provided, single submitter. Criteria: EGL Classification Definitions 2015. Collection method: clinical testing. Allele origin: germline. Observed: 1 variant allele, 1 heterozygote.

PreventionGenetics, part of Exact Sciences
Classification: Likely benign for L1CAM-related condition. Last evaluated: 2023-01-19. Review status: no assertion criteria provided. Collection method: clinical testing. Allele origin: germline. Not counted in ClinVar's aggregate classification.
Comment: This variant is classified as likely benign based on ACMG/AMP sequence variant interpretation guidelines (Richards et al. 2015 PMID: 25741868, with internal and published modifications).